The following is an entry in ClinVar:

ClinVar aggregate classification (germline): Conflicting classifications of pathogenicity. Review status: criteria provided, conflicting classifications (1 of 4 stars). 18 submissions from 14 submitters: Uncertain significance (11); Benign (2); Likely benign (5). Last evaluated 2025-12-19.

Conditions:
Cardiovascular phenotype. Identifiers: MedGen CN230736.
TTN-related disorder. Also called: TTN-related condition; TTN-related disease; TTN-related disorders.
Dilated cardiomyopathy 1G (CMD1G). Identifiers: Orphanet 154, MedGen C1858763, MONDO:0011400, OMIM 604145.
Autosomal recessive limb-girdle muscular dystrophy type 2J (LGMDR10). Also called: Limb-girdle muscular dystrophy, type 2J; MUSCULAR DYSTROPHY, LIMB-GIRDLE, AUTOSOMAL RECESSIVE 10. Identifiers: Orphanet 140922, MedGen C1837342, MONDO:0012127, OMIM 608807.
Cardiomyopathy (CMYO). Also called: Cardiomyopathies. Identifiers: Orphanet 167848, MedGen C0878544, MONDO:0004994, HP:0001638. Inheritance: Various modes of inheritance.
Early-onset myopathy with fatal cardiomyopathy (CMYO5). Also called: Salih Myopathy; CONGENITAL MYOPATHY 5 WITH CARDIOMYOPATHY. Identifiers: Orphanet 289377, MedGen C2673677, MONDO:0012714, OMIM 611705. Disease mechanism: loss of function.
Tibial muscular dystrophy (TMD). Also called: UDD MYOPATHY; Tibial muscular dystrophy, tardive; Udd Distal Myopathy – Tibial Muscular Dystrophy. Identifiers: Orphanet 609, MedGen C1838244, MONDO:0010870, OMIM 600334.
Myopathy, myofibrillar, 9, with early respiratory failure (MFM9). Also called: Hereditary myopathy with early respiratory failure; MYOPATHY, PROXIMAL, WITH EARLY RESPIRATORY MUSCLE INVOLVEMENT; Myopathy, distal, with early respiratory failure, autosomal dominant; EDSTROM MYOPATHY. Identifiers: Orphanet 178464, Orphanet 34521, MedGen C1863599, MONDO:0011362, OMIM 603689.

Allele frequency attached by ClinVar (database versions not stated): gnomAD 0.00013 and 0.00014; gnomAD exomes 0.00014 and 0.00024; TOPMed 0.00014; ExAC 0.00016; ESP Exome Variant Server 0.00033.
gnomAD v4.1: 369 of 1,602,502 alleles (0.023%); highest among the groups gnomAD compares: Non-Finnish European, 0.029%; no homozygotes.

Submissions (18):

PreventionGenetics, part of Exact Sciences
Classification: Likely benign for TTN-related condition. Last evaluated: 2025-12-19. Review status: criteria provided, single submitter. Criteria: ACMG Guidelines, 2015. Collection method: clinical testing. Allele origin: germline.
Comment: This variant is classified as likely benign based on ACMG/AMP sequence variant interpretation guidelines (Richards et al. 2015 PMID: 25741868, with internal and published modifications).

Women's Health and Genetics/Laboratory Corporation of America, LabCorp
Classification: Uncertain significance. Last evaluated: 2025-11-10. Review status: criteria provided, single submitter. Criteria: LabCorp Variant Classification Summary - May 2015. Collection method: clinical testing. Allele origin: germline.

Revvity Omics, Revvity
Classification: Uncertain significance. Last evaluated: 2025-04-24. Review status: criteria provided, single submitter. Criteria: ACMG Guidelines, 2015. Collection method: clinical testing. Allele origin: germline.

Blueprint Genetics
Classification: Likely benign. Last evaluated: 2024-09-18. Review status: criteria provided, single submitter. Criteria: ACMG Guidelines, 2015. Collection method: clinical testing. Allele origin: germline.

CHEO Genetics Diagnostic Laboratory, Children's Hospital of Eastern Ontario
Classification: Likely benign for Cardiomyopathy. Last evaluated: 2023-05-26. Review status: criteria provided, single submitter. Criteria: ACMG Guidelines, 2015. Collection method: clinical testing. Allele origin: germline.

Mayo Clinic Laboratories, Mayo Clinic
Classification: Uncertain significance. Last evaluated: 2022-02-09. Review status: criteria provided, single submitter. Criteria: ACMG Guidelines, 2015. Collection method: clinical testing. Allele origin: germline. Observed: 1 variant allele.
Comment: BP4

Athena Diagnostics
Classification: Uncertain significance. Last evaluated: 2020-11-03. Review status: criteria provided, single submitter. Criteria: Athena Diagnostics criteria. Collection method: clinical testing. Allele origin: unknown.

Ambry Genetics
Classification: Likely benign for Cardiovascular phenotype. Last evaluated: 2020-03-02. Review status: criteria provided, single submitter. Criteria: Ambry Variant Classification Scheme 2023. Collection method: clinical testing. Allele origin: germline.

GeneDx
Classification: Likely benign. Last evaluated: 2019-06-07. Review status: criteria provided, single submitter. Criteria: GeneDx Variant Classification Process June 2021. Collection method: clinical testing. Allele origin: germline. Affected: yes.

ARUP Laboratories, Molecular Genetics and Genomics, ARUP Laboratories
Classification: Uncertain significance. Last evaluated: 2018-06-29. Review status: criteria provided, single submitter. Criteria: ARUP Molecular Germline Variant Investigation Process. Collection method: clinical testing. Allele origin: germline.
Comment: The TTN c.46456G>C; p.Val15486Leu variant is rare in the general population (<1% allele frequency in the Genome Aggregation Database) and have not been reported in the medical literature in association with dilated cardiomyopathy (DCM) or other TTN-related disease. The clinical relevance of rare missense variants in this gene, which are identified on average once per individual sequenced in affected populations (Herman 2012), is not well understood. While the clinical significance of such variants is considered uncertain, evidence suggests that the vast majority of missense variants do not contribute to the clinical outcome of DCM (Begay 2015). Given the available evidence, the clinical significance of the c.46456G>C; p.Val15486Leu variant cannot be determined with certainty.

Illumina Laboratory Services, Illumina
Classification: Uncertain significance for Dilated cardiomyopathy 1G. Last evaluated: 2018-01-12. Review status: criteria provided, single submitter. Criteria: ICSL Variant Classification Criteria 13 December 2019. Collection method: clinical testing. Allele origin: germline.

Illumina Laboratory Services, Illumina
Classification: Benign for Myopathy, myofibrillar, 9, with early respiratory failure. Last evaluated: 2018-01-12. Review status: criteria provided, single submitter. Criteria: ICSL Variant Classification Criteria 13 December 2019. Collection method: clinical testing. Allele origin: germline.
Comment: This variant was observed in the ICSL laboratory as part of a predisposition screen in an ostensibly healthy population. It had not been previously curated by ICSL or reported in the Human Gene Mutation Database (HGMD: prior to June 1st, 2018), and was therefore a candidate for classification through an automated scoring system. Utilizing variant allele frequency, disease prevalence and penetrance estimates, and inheritance mode, an automated score was calculated to assess if this variant is too frequent to cause the disease. Based on the score and internal cut-off values, a variant classified as benign is not then subjected to further curation. The score for this variant resulted in a classification of benign for this disease.

Illumina Laboratory Services, Illumina
Classification: Uncertain significance for Early-onset myopathy with fatal cardiomyopathy. Last evaluated: 2018-01-12. Review status: criteria provided, single submitter. Criteria: ICSL Variant Classification Criteria 13 December 2019. Collection method: clinical testing. Allele origin: germline.

Illumina Laboratory Services, Illumina
Classification: Benign for Tibial muscular dystrophy. Last evaluated: 2018-01-12. Review status: criteria provided, single submitter. Criteria: ICSL Variant Classification Criteria 13 December 2019. Collection method: clinical testing. Allele origin: germline.
Comment: the same text as in the submission from Illumina Laboratory Services, Illumina above.

Illumina Laboratory Services, Illumina
Classification: Uncertain significance for Autosomal recessive limb-girdle muscular dystrophy type 2J. Last evaluated: 2018-01-12. Review status: criteria provided, single submitter. Criteria: ICSL Variant Classification Criteria 13 December 2019. Collection method: clinical testing. Allele origin: germline.

Labcorp Genetics (formerly Invitae), Labcorp
Classification: Uncertain significance for Dilated cardiomyopathy 1G; Autosomal recessive limb-girdle muscular dystrophy type 2J. Last evaluated: 2017-10-20. Review status: criteria provided, single submitter. Criteria: Invitae Variant Classification Sherloc (09022015). Collection method: clinical testing. Allele origin: germline.

Eurofins Ntd Llc (ga)
Classification: Uncertain significance. Last evaluated: 2017-09-22. Review status: criteria provided, single submitter. Criteria: EGL Classification Definitions 2015. Collection method: clinical testing. Allele origin: germline. Observed: 3 variant alleles, 3 heterozygotes.

Laboratory for Molecular Medicine, Mass General Brigham Personalized Medicine
Classification: Uncertain significance. Last evaluated: 2014-07-14. Review status: criteria provided, single submitter. Criteria: LMM Criteria. Collection method: clinical testing. Allele origin: germline. Observed: 1 variant allele.

NM_001267550.2(TTN):c.54160G>C (p.Val18054Leu)

Genes: TTN-AS1 (TTN antisense RNA 1; plus strand), TTN (titin; minus strand). Cytogenetic location: 2q31.2.
Variant type: single nucleotide variant.
Coding change: c.54160G>C on transcript NM_001267550.2 (MANE Select); coding-DNA position 54160, G replaced by C.
Protein change: p.Val18054Leu; replaces valine 18054 with leucine.
Molecular consequence: missense variant. On other transcripts: non-coding transcript variant (1).
Genome position (GRCh38, 1-based): chr2:178,605,017, C>G on the plus strand (G>C on the coding strand, the complement: TTN is on the minus strand). VCF-style: chr2-178605017-C-G. GRCh37 (hg19) VCF-style: chr2-179469744-C-G.
Other names: p.V16413L:GTG>CTG; c.26965G>C, p.Val8989Leu (NM_003319.4); c.27340G>C, p.Val9114Leu (NM_133432.3); c.27541G>C, p.Val9181Leu (NM_133437.4); c.49237G>C, p.Val16413Leu (NM_001256850.1); c.46456G>C, p.Val15486Leu (NM_133378.4); short protein forms V15486L, V18054L, V16413L, V9114L, V8989L, V9181L.
Identifiers: ClinVar variation 165978 (VCV000165978.45), dbSNP rs200968679, ClinGen allele CA178736.